The following is an entry in ClinVar:

NM_001085458.2(CTNND1):c.1209C>T (p.Asp403=)

Genes: CTNND1 (catenin delta 1; plus strand), TMX2-CTNND1 (TMX2-CTNND1 readthrough (NMD candidate); plus strand). Cytogenetic location: 11q12.1.
Variant type: single nucleotide variant.
Coding change: c.1209C>T on transcript NM_001085458.2 (MANE Select); coding-DNA position 1209, C replaced by T.
Protein change: p.Asp403=; no amino-acid change (aspartic acid 403 retained).
Molecular consequence: synonymous variant. On other transcripts: non-coding transcript variant (1).
Genome position (GRCh38, 1-based): chr11:57,801,985, C>T. VCF-style: chr11-57801985-C-T. GRCh37 (hg19) VCF-style: chr11-57569457-C-T.
Other names: c.1209C>T, p.Asp403= (NM_001085459.2, NM_001085460.2, NM_001085461.2 and 3 more transcripts); c.906C>T, p.Asp302= (NM_001085463.2, NM_001085464.2, NM_001085465.2 and 5 more transcripts); c.1209C>T (NM_001085458.1); c.1047C>T, p.Asp349= (NM_001206883.2, NM_001206884.2, NM_001206886.2 and 4 more transcripts).
Identifiers: ClinVar variation 2641797 (VCV002641797.25), dbSNP rs541781874, ClinGen allele CA6010394.

ClinVar aggregate classification (germline): Likely benign. Review status: criteria provided, single submitter (1 of 4 stars). 2 submissions from 2 submitters: Likely benign (1). 1 of the submissions does not count toward it. Last evaluated 2025-02-01.

Conditions:
CTNND1-related disorder. Also called: CTNND1-related condition.

Allele frequency attached by ClinVar (database versions not stated): gnomAD 0.00005; TOPMed 0.00005; gnomAD exomes 0.00008; ExAC 0.00011; 1000 Genomes Project 30x 0.00016; 1000 Genomes Project 0.00020.
gnomAD v4.1: 136 of 1,614,006 alleles (0.0084%); highest among the groups gnomAD compares: South Asian, 0.018%; no homozygotes.

Submissions (2):

CeGaT Center for Human Genetics Tuebingen
Classification: Likely benign. Last evaluated: 2025-02-01. Review status: criteria provided, single submitter. Criteria: CeGaT Center For Human Genetics Tuebingen Variant Classification Criteria Version 2. Collection method: clinical testing. Allele origin: germline. Affected: yes. Observed: 3 variant alleles.
Comment: CTNND1: BP4, BP7

PreventionGenetics, part of Exact Sciences
Classification: Likely benign for CTNND1-related condition. Last evaluated: 2021-02-26. Review status: no assertion criteria provided. Collection method: clinical testing. Allele origin: germline. Not counted in ClinVar's aggregate classification.
Comment: This variant is classified as likely benign based on ACMG/AMP sequence variant interpretation guidelines (Richards et al. 2015 PMID: 25741868, with internal and published modifications).